The following is an entry in ClinVar:

NM_018036.7(ATG2B):c.5941C>G (p.Arg1981Gly)

Gene: ATG2B (autophagy related 2B; minus strand). Cytogenetic location: 14q32.2.
Variant type: single nucleotide variant.
Coding change: c.5941C>G on transcript NM_018036.7 (MANE Select); coding-DNA position 5941, C replaced by G.
Protein change: p.Arg1981Gly; replaces arginine 1981 with glycine.
Molecular consequence: missense variant.
Genome position (GRCh38, 1-based): chr14:96,289,721, G>C on the plus strand (C>G on the coding strand, the complement: ATG2B is on the minus strand). VCF-style: chr14-96289721-G-C. GRCh37 (hg19) VCF-style: chr14-96756058-G-C.
Other names: short protein forms R1981G.
Identifiers: ClinVar variation 3045990 (VCV003045990.2), dbSNP rs144991946, ClinGen allele CA7335493.
Genomic context (GRCh38, chr14:96,289,721, plus strand): 5'-TCACAACACTGTAGGCCTTGGCCACACCTTCCCTCAGGTCTACTGGCTGGTGGGCTAACC[G>C]GTGATGAGGAAACCTTTTGGTCTTCTTGGGCTCGATAGAAAGGGTACCAGGAGACACCAT-3'
Protein context (NP_060506.6, residues 1971-1991): PKKTKRFPHH[Arg1981Gly]LAHQPVDLRE

ClinVar aggregate classification (germline): Likely benign (0 of 4 stars; one submission).

Conditions:
ATG2B-related disorder. Also called: ATG2B-related condition.

Allele frequency attached by ClinVar (database versions not stated): 1000 Genomes Project 30x 0.00094; ESP Exome Variant Server 0.00115; 1000 Genomes Project 0.00120; ExAC 0.00208.
gnomAD v4.1: 3,865 of 1,614,172 alleles (0.24%); highest among the groups gnomAD compares: South Asian, 0.32%; 11 homozygotes.

Submission:

PreventionGenetics, part of Exact Sciences
Classification: Likely benign for ATG2B-related condition. Last evaluated: 2023-02-27. Review status: no assertion criteria provided. Collection method: clinical testing. Allele origin: germline.
Comment: This variant is classified as likely benign based on ACMG/AMP sequence variant interpretation guidelines (Richards et al. 2015 PMID: 25741868, with internal and published modifications).